The following is an entry in ClinVar:

NM_001312673.2(PCYT1A):c.622C>T (p.Arg208Ter)

Gene: PCYT1A (phosphate cytidylyltransferase 1A, choline; minus strand). Cytogenetic location: 3q29.
Variant type: single nucleotide variant.
Coding change: c.622C>T on transcript NM_001312673.2 (MANE Select); coding-DNA position 622, C replaced by T.
Protein change: p.Arg208Ter; replaces arginine 208 with a stop codon.
Molecular consequence: nonsense.
Genome position (GRCh38, 1-based): chr3:196,242,034, G>A on the plus strand (C>T on the coding strand, the complement: PCYT1A is on the minus strand). VCF-style: chr3-196242034-G-A. GRCh37 (hg19) VCF-style: chr3-195968905-G-A.
Other names: c.622C>T, p.Arg208Ter (NM_005017.4); short protein forms R208*.
Identifiers: ClinVar variation 1952258 (VCV001952258.4), dbSNP rs747258330, ClinGen allele CA2779479.

ClinVar aggregate classification (germline): Conflicting classifications of pathogenicity. Review status: criteria provided, conflicting classifications (1 of 4 stars). 2 submissions from 2 submitters: Likely pathogenic (1); Uncertain significance (1). Last evaluated 2022-07-18.

Conditions:
PCYT1A-related disorders.

Allele frequency attached by ClinVar (database versions not stated): gnomAD 0.00001; TOPMed 0.00001; ExAC 0.00002.
gnomAD v4.1: 16 of 1,613,958 alleles (0.00099%); highest among the groups gnomAD compares: African/African-American, 0.0013%; no homozygotes.

Submissions (2):

Blueprint Genetics
Classification: Likely pathogenic for PCYT1A-related disorders. Last evaluated: 2022-07-18. Review status: criteria provided, single submitter. Criteria: ACMG Guidelines, 2015. Collection method: clinical testing. Allele origin: germline. Affected: yes. Observed: 1 variant allele.

Labcorp Genetics (formerly Invitae), Labcorp
Classification: Uncertain significance. Last evaluated: 2021-12-22. Review status: criteria provided, single submitter. Criteria: Invitae Variant Classification Sherloc (09022015). Collection method: clinical testing. Allele origin: germline.
Comment: In summary, the available evidence is currently insufficient to determine the role of this variant in disease. Therefore, it has been classified as a Variant of Uncertain Significance. This variant has not been reported in the literature in individuals affected with PCYT1A-related conditions. This variant is present in population databases (rs747258330, gnomAD 0.007%). This sequence change creates a premature translational stop signal (p.Arg208*) in the PCYT1A gene. It is expected to result in an absent or disrupted protein product. However, the current clinical and genetic evidence is not sufficient to establish whether loss-of-function variants in PCYT1A cause disease.